The following is an entry in ClinVar:

NM_000138.5(FBN1):c.6389A>T (p.Glu2130Val)

Gene: FBN1 (fibrillin 1; minus strand). Cytogenetic location: 15q21.1.
Variant type: single nucleotide variant.
Coding change: c.6389A>T on transcript NM_000138.5 (MANE Select); coding-DNA position 6389, A replaced by T.
Protein change: p.Glu2130Val; replaces glutamic acid 2130 with valine.
Molecular consequence: missense variant.
Genome position (GRCh38, 1-based): chr15:48,437,068, T>A on the plus strand (A>T on the coding strand, the complement: FBN1 is on the minus strand). VCF-style: chr15-48437068-T-A. GRCh37 (hg19) VCF-style: chr15-48729265-T-A.
Other names: c.6389A>T, p.Glu2130Val (NM_001406716.1); short protein forms E2130V.
Identifiers: ClinVar variation 3600250 (VCV003600250.1).

ClinVar aggregate classification (germline): Pathogenic (0 of 4 stars; one submission).

Conditions:
Marfan syndrome (MFS). Also called: MARFAN SYNDROME, TYPE I; Marfan syndrome type 1; Marfan's syndrome; FBN1-Related Marfan Syndrome; Marfan syndrome, classic. Identifiers: Orphanet 284963, Orphanet 558, MedGen C0024796, MONDO:0007947, OMIM 154700.

Submission:

Department of Laboratory Medicine and Genetics, Samsung Medical Center
Classification: Pathogenic for Marfan syndrome. Last evaluated: 2025-01-02. Review status: no assertion criteria provided. Collection method: clinical testing. Allele origin: germline. Affected: yes.
Comment: The NM_000138.5:c.6389A>T is considered to be rare in the general population database (gnomAD v2.1.1). This variant is predicted to be deleterious by in-silico analysis (REVEL). This variant is located in functional domains and a different missense variant at the same residue is determined to be pathogenic (c.6388G>A, p.Glu2130Lys). According to the ClinGen guidance for PP1/BS4 and PP4 criteria (PMID: 38103548), PP4 with weighted strength was applied. In summary, this variant was classified as a pathogenic variant for Marfan syndrome (PS2, PM1, PM5, PP2, PP3, PP4 with weighted strength, PM2_P).

Literature cited by the submitters: PubMed 37558401.